The following is an entry in ClinVar:

ClinVar aggregate classification (germline): Uncertain significance (1 of 4 stars; one submission).

Conditions:
Ataxia-telangiectasia syndrome (AT). Also called: LOUIS-BAR SYNDROME; Cerebello-oculocutaneous telangiectasia; Immunodeficiency with ataxia telangiectasia; ATAXIA-TELANGIECTASIA, COMPLEMENTATION GROUP A; ATAXIA-TELANGIECTASIA, FRESNO VARIANT; Ataxia-telangiectasia, complementation group D. Identifiers: Orphanet 100, MedGen C0004135, MONDO:0008840, OMIM 208900.

Submission:

Labcorp Genetics (formerly Invitae), Labcorp
Classification: Uncertain significance for Ataxia-telangiectasia syndrome. Last evaluated: 2024-09-01. Review status: criteria provided, single submitter. Criteria: Invitae Variant Classification Sherloc (09022015). Collection method: clinical testing. Allele origin: germline.
Comment: This sequence change replaces phenylalanine, which is neutral and non-polar, with leucine, which is neutral and non-polar, at codon 357 of the ATM protein (p.Phe357Leu). This variant is not present in population databases (gnomAD no frequency). This variant has not been reported in the literature in individuals affected with ATM-related conditions. An algorithm developed to predict the effect of missense changes on protein structure and function (PolyPhen-2) suggests that this variant is likely to be disruptive. In summary, the available evidence is currently insufficient to determine the role of this variant in disease. Therefore, it has been classified as a Variant of Uncertain Significance.

NM_000051.4(ATM):c.1071T>A (p.Phe357Leu)

Gene: ATM (ATM serine/threonine kinase; plus strand). Cytogenetic location: 11q22.3.
Variant type: single nucleotide variant.
Coding change: c.1071T>A on transcript NM_000051.4 (MANE Select); coding-DNA position 1071, T replaced by A.
Protein change: p.Phe357Leu; replaces phenylalanine 357 with leucine.
Molecular consequence: missense variant.
Genome position (GRCh38, 1-based): chr11:108,248,938, T>A. VCF-style: chr11-108248938-T-A. GRCh37 (hg19) VCF-style: chr11-108119665-T-A.
Other names: c.1071T>A, p.Phe357Leu (NM_001351834.2); short protein forms F357L.
Identifiers: ClinVar variation 3664113 (VCV003664113.2).